The following is an entry in ClinVar:

ClinVar aggregate classification (germline): Uncertain significance (1 of 4 stars; one submission).

Conditions:
PCNT-related disorder. Also called: PCNT-related condition.

Submission:

PreventionGenetics, part of Exact Sciences
Classification: Uncertain significance for PCNT-related condition. Last evaluated: 2025-05-23. Review status: criteria provided, single submitter. Criteria: ACMG Guidelines, 2015. Collection method: clinical testing. Allele origin: germline.
Comment: The PCNT c.3952G>C variant is predicted to result in the amino acid substitution p.Glu1318Gln. To our knowledge, this variant has not been reported in the literature or in a large population database, indicating this variant is rare. At this time, the clinical significance of this variant is uncertain due to the absence of conclusive functional and genetic evidence.

NM_006031.6(PCNT):c.3952G>C (p.Glu1318Gln)

Gene: PCNT (pericentrin; plus strand). Cytogenetic location: 21q22.3.
Variant type: single nucleotide variant.
Coding change: c.3952G>C on transcript NM_006031.6 (MANE Select); coding-DNA position 3952, G replaced by C.
Protein change: p.Glu1318Gln; replaces glutamic acid 1318 with glutamine.
Molecular consequence: missense variant.
Genome position (GRCh38, 1-based): chr21:46,390,781, G>C. VCF-style: chr21-46390781-G-C. GRCh37 (hg19) VCF-style: chr21-47810696-G-C.
Other names: c.3598G>C, p.Glu1200Gln (NM_001315529.2); short protein forms E1200Q, E1318Q.
Identifiers: ClinVar variation 4986922 (VCV004986922.1).